The following is an entry in ClinVar:

NM_000135.4(FANCA):c.4088A>G (p.Lys1363Arg)

Genes: FANCA (FA complementation group A; minus strand), ZNF276 (zinc finger protein 276; plus strand). Cytogenetic location: 16q24.3.
Variant type: single nucleotide variant.
Coding change: c.4088A>G on transcript NM_000135.4 (MANE Select); coding-DNA position 4088, A replaced by G.
Protein change: p.Lys1363Arg; replaces lysine 1363 with arginine.
Molecular consequence: missense variant. On other transcripts: 3 prime UTR variant (2), non-coding transcript variant (4).
Genome position (GRCh38, 1-based): chr16:89,739,212, T>C on the plus strand (A>G on the coding strand, the complement: FANCA is on the minus strand). VCF-style: chr16-89739212-T-C. GRCh37 (hg19) VCF-style: chr16-89805620-T-C.
Other names: c.4088A>G, p.Lys1363Arg (NM_001286167.3); c.*966T>C (NM_001113525.2, NM_152287.4); short protein forms K1363R.
Identifiers: ClinVar variation 1019132 (VCV001019132.9), dbSNP rs773947543, ClinGen allele CA8250791.

ClinVar aggregate classification (germline): Conflicting classifications of pathogenicity. Review status: criteria provided, conflicting classifications (1 of 4 stars). 2 submissions from 2 submitters: Uncertain significance (1); Likely benign (1). Last evaluated 2025-06-07.

Conditions:
Inborn genetic diseases. Identifiers: MedGen C0950123, MeSH D030342.
Fanconi anemia (FA). Also called: Fanconi's anemia. Identifiers: Orphanet 84, MedGen C0015625, MeSH D005199, MONDO:0019391.

Allele frequency attached by ClinVar (database versions not stated): ExAC 0.00001.

Submissions (2):

Ambry Genetics
Classification: Likely benign for Inborn genetic diseases. Last evaluated: 2025-06-07. Review status: criteria provided, single submitter. Criteria: Ambry Variant Classification Scheme 2023. Collection method: clinical testing. Allele origin: germline.

Labcorp Genetics (formerly Invitae), Labcorp
Classification: Uncertain significance for Fanconi anemia. Last evaluated: 2020-08-15. Review status: criteria provided, single submitter. Criteria: Invitae Variant Classification Sherloc (09022015). Collection method: clinical testing. Allele origin: germline.
Comment: This sequence change replaces lysine with arginine at codon 1363 of the FANCA protein (p.Lys1363Arg). The lysine residue is moderately conserved and there is a small physicochemical difference between lysine and arginine. The frequency data for this variant in the population databases is considered unreliable, as metrics indicate poor data quality at this position in the ExAC database. This variant has not been reported in the literature in individuals with FANCA-related conditions. Advanced modeling of protein sequence and biophysical properties (such as structural, functional, and spatial information, amino acid conservation, physicochemical variation, residue mobility, and thermodynamic stability) performed at Invitae indicates that this missense variant is not expected to disrupt FANCA protein function. In summary, the available evidence is currently insufficient to determine the role of this variant in disease. Therefore, it has been classified as a Variant of Uncertain Significance.